The following is an entry in ClinVar:

ClinVar aggregate classification (germline): Uncertain significance (1 of 4 stars; one submission).

Conditions:
Inborn genetic diseases. Identifiers: MedGen C0950123, MeSH D030342.

Submission:

Ambry Genetics
Classification: Uncertain significance for Inborn genetic diseases. Last evaluated: 2025-08-26. Review status: criteria provided, single submitter. Criteria: Ambry Variant Classification Scheme 2023. Collection method: clinical testing. Allele origin: germline.
Comment: The c.3719C>G (p.P1240R) alteration is located in exon 33 (coding exon 32) of the NALCN gene. This alteration results from a C to G substitution at nucleotide position 3719, causing the proline (P) at amino acid position 1240 to be replaced by an arginine (R). This variant was not reported in population-based cohorts in the Genome Aggregation Database (gnomAD). This amino acid position is highly conserved in available vertebrate species. This missense alteration is located in a region that has a low rate of benign missense variation (Lek, 2016; Firth, 2009). This alteration is predicted to be deleterious by in silico analysis. Based on insufficient or conflicting evidence, the clinical significance of this alteration remains unclear.

NM_052867.4(NALCN):c.3719C>G (p.Pro1240Arg)

Gene: NALCN (sodium leak channel, non-selective; minus strand). Cytogenetic location: 13q32.3.
Variant type: single nucleotide variant.
Coding change: c.3719C>G on transcript NM_052867.4 (MANE Select); coding-DNA position 3719, C replaced by G.
Protein change: p.Pro1240Arg; replaces proline 1240 with arginine.
Molecular consequence: missense variant.
Genome position (GRCh38, 1-based): chr13:101,082,855, G>C on the plus strand (C>G on the coding strand, the complement: NALCN is on the minus strand). VCF-style: chr13-101082855-G-C. GRCh37 (hg19) VCF-style: chr13-101735206-G-C.
Other names: c.3806C>G, p.Pro1269Arg (NM_001350748.2); c.3719C>G, p.Pro1240Arg (NM_001350749.2); c.3632C>G, p.Pro1211Arg (NM_001350750.2, NM_001350751.2); short protein forms P1211R, P1269R, P1240R.
Identifiers: ClinVar variation 3917131 (VCV003917131.2).